The following is an entry in ClinVar:

ClinVar aggregate classification (germline): Likely benign (0 of 4 stars; one submission).

Conditions:
SLCO1B3-related disorder. Also called: SLCO1B3-related condition.

Allele frequency attached by ClinVar (database versions not stated): gnomAD 0.00004; gnomAD exomes 0.00007; ESP Exome Variant Server 0.00008; TOPMed 0.00008; ExAC 0.00012.

Submission:

PreventionGenetics, part of Exact Sciences
Classification: Likely benign for SLCO1B3-related condition. Last evaluated: 2022-04-14. Review status: no assertion criteria provided. Collection method: clinical testing. Allele origin: germline.
Comment: This variant is classified as likely benign based on ACMG/AMP sequence variant interpretation guidelines (Richards et al. 2015 PMID: 25741868, with internal and published modifications).

NM_019844.4(SLCO1B3):c.1258T>G (p.Leu420Val)

Genes: SLCO1B3 (solute carrier organic anion transporter family member 1B3; plus strand), SLCO1B3-SLCO1B7 (SLCO1B3-SLCO1B7 readthrough; plus strand). Cytogenetic location: 12p12.2.
Variant type: single nucleotide variant.
Coding change: c.1258T>G on transcript NM_019844.4 (MANE Select); coding-DNA position 1258, T replaced by G.
Protein change: p.Leu420Val; replaces leucine 420 with valine.
Molecular consequence: missense variant.
Genome position (GRCh38, 1-based): chr12:20,879,558, T>G. VCF-style: chr12-20879558-T-G. GRCh37 (hg19) VCF-style: chr12-21032492-T-G.
Other names: c.1258T>G, p.Leu420Val (NM_001371097.1); c.1174T>G, p.Leu392Val (NM_001349920.2); short protein forms L392V, L420V.
Identifiers: ClinVar variation 3029090 (VCV003029090.2), dbSNP rs201866779, ClinGen allele CA6475507.